The following is an entry in ClinVar:

ClinVar aggregate classification (germline): Uncertain significance. Review status: criteria provided, multiple submitters, no conflicts (2 of 4 stars). 2 submissions from 2 submitters: Uncertain significance (2). Last evaluated 2025-12-24.

Conditions:
Inborn genetic diseases. Identifiers: MedGen C0950123, MeSH D030342.

gnomAD v4.1: 4 of 1,597,108 alleles (0.00025%); highest among the groups gnomAD compares: Non-Finnish European, 0.00026%; no homozygotes.

Submissions (2):

Labcorp Genetics (formerly Invitae), Labcorp
Classification: Uncertain significance. Last evaluated: 2025-12-24. Review status: criteria provided, single submitter. Criteria: Invitae Variant Classification Sherloc (09022015). Collection method: clinical testing. Allele origin: germline.
Comment: This sequence change replaces serine, which is neutral and polar, with arginine, which is basic and polar, at codon 241 of the LEMD3 protein (p.Ser241Arg). This variant is present in population databases (rs781619701, gnomAD 0.001%). This variant has not been reported in the literature in individuals affected with LEMD3-related conditions. ClinVar contains an entry for this variant (Variation ID: 1904213). Invitae Evidence Modeling of protein sequence and biophysical properties (such as structural, functional, and spatial information, amino acid conservation, physicochemical variation, residue mobility, and thermodynamic stability) indicates that this missense variant is not expected to disrupt LEMD3 protein function with a negative predictive value of 80%. In summary, the available evidence is currently insufficient to determine the role of this variant in disease. Therefore, it has been classified as a Variant of Uncertain Significance.

Ambry Genetics
Classification: Uncertain significance for Inborn genetic diseases. Last evaluated: 2022-08-02. Review status: criteria provided, single submitter. Criteria: Ambry Variant Classification Scheme 2023. Collection method: clinical testing. Allele origin: germline.

NM_014319.5(LEMD3):c.723C>G (p.Ser241Arg)

Gene: LEMD3 (LEM domain containing 3; plus strand). Cytogenetic location: 12q14.3.
Variant type: single nucleotide variant.
Coding change: c.723C>G on transcript NM_014319.5 (MANE Select); coding-DNA position 723, C replaced by G.
Protein change: p.Ser241Arg; replaces serine 241 with arginine.
Molecular consequence: missense variant.
Genome position (GRCh38, 1-based): chr12:65,170,319, C>G. VCF-style: chr12-65170319-C-G. GRCh37 (hg19) VCF-style: chr12-65564099-C-G.
Other names: c.723C>G, p.Ser241Arg (NM_001167614.2); short protein forms S241R.
Identifiers: ClinVar variation 1904213 (VCV001904213.6), dbSNP rs781619701, ClinGen allele CA6670747.